The following is an entry in ClinVar:

NM_012210.4(TRIM32):c.660G>A (p.Val220=)

Genes: ASTN2 (astrotactin 2; minus strand), TRIM32 (tripartite motif containing 32; plus strand). Cytogenetic location: 9q33.1.
Variant type: single nucleotide variant.
Coding change: c.660G>A on transcript NM_012210.4 (MANE Select); coding-DNA position 660, G replaced by A.
Protein change: p.Val220=; no amino-acid change (valine 220 retained).
Molecular consequence: synonymous variant. On other transcripts: intron variant (3).
Genome position (GRCh38, 1-based): chr9:116,698,402, G>A. VCF-style: chr9-116698402-G-A. GRCh37 (hg19) VCF-style: chr9-119460681-G-A.
Other names: c.660G>A, p.Val220= (NM_001099679.2, NM_001379048.1, NM_001379049.1 and 1 more transcripts); c.2653+27369C>T (NM_014010.5); c.2794+27369C>T (NM_001365069.1); c.2806+27369C>T (NM_001365068.1).
Identifiers: ClinVar variation 386978 (VCV000386978.12), dbSNP rs3747833, ClinGen allele CA5211020.

ClinVar aggregate classification (germline): Likely benign. Review status: criteria provided, multiple submitters, no conflicts (2 of 4 stars). 4 submissions from 4 submitters: Likely benign (3). 1 of the submissions does not count toward it. Last evaluated 2026-01-05.

Conditions:
Bardet-Biedl syndrome (BBS). Identifiers: Orphanet 110, MedGen C0752166, MONDO:0015229.
TRIM32-related disorder. Also called: TRIM32-related condition.

Allele frequency attached by ClinVar (database versions not stated): TOPMed 0.00006.
gnomAD v4.1: 75 of 1,613,996 alleles (0.0046%); highest among the groups gnomAD compares: Non-Finnish European, 0.006%; no homozygotes.

Submissions (4):

Labcorp Genetics (formerly Invitae), Labcorp
Classification: Likely benign for Bardet-Biedl syndrome. Last evaluated: 2026-01-05. Review status: criteria provided, single submitter. Criteria: Invitae Variant Classification Sherloc (09022015). Collection method: clinical testing. Allele origin: germline.

Blueprint Genetics
Classification: Likely benign. Last evaluated: 2023-02-03. Review status: criteria provided, single submitter. Criteria: ACMG Guidelines, 2015. Collection method: clinical testing. Allele origin: germline.

GeneDx
Classification: Likely benign. Last evaluated: 2016-07-07. Review status: criteria provided, single submitter. Criteria: GeneDx Variant Classification (06012015). Collection method: clinical testing. Allele origin: germline. Affected: yes.
Comment: This variant is considered likely benign or benign based on one or more of the following criteria: it is a conservative change, it occurs at a poorly conserved position in the protein, it is predicted to be benign by multiple in silico algorithms, and/or has population frequency not consistent with disease.

PreventionGenetics, part of Exact Sciences
Classification: Likely benign for TRIM32-related condition. Last evaluated: 2024-04-16. Review status: no assertion criteria provided. Collection method: clinical testing. Allele origin: germline. Not counted in ClinVar's aggregate classification.
Comment: This variant is classified as likely benign based on ACMG/AMP sequence variant interpretation guidelines (Richards et al. 2015 PMID: 25741868, with internal and published modifications).